The following is an entry in ClinVar:

ClinVar aggregate classification (germline): Benign. Review status: criteria provided, single submitter (1 of 4 stars). 2 submissions from 2 submitters: Benign (1). 1 of the submissions does not count toward it. Last evaluated 2025-12-30.

Conditions:
HMCN1-related disorder. Also called: HMCN1-related condition.

Submissions (2):

Labcorp Genetics (formerly Invitae), Labcorp
Classification: Benign. Last evaluated: 2025-12-30. Review status: criteria provided, single submitter. Criteria: Invitae Variant Classification Sherloc (09022015). Collection method: clinical testing. Allele origin: germline.

PreventionGenetics, part of Exact Sciences
Classification: Benign for HMCN1-related condition. Last evaluated: 2019-08-29. Review status: no assertion criteria provided. Collection method: clinical testing. Allele origin: germline. Not counted in ClinVar's aggregate classification.
Comment: This variant is classified as benign based on ACMG/AMP sequence variant interpretation guidelines (Richards et al. 2015 PMID: 25741868, with internal and published modifications).

NM_031935.3(HMCN1):c.11849-10dup

Gene: HMCN1 (hemicentin 1; plus strand). Cytogenetic location: 1q31.1.
Variant type: Duplication.
Coding change: c.11849-10dup on transcript NM_031935.3 (MANE Select); 10 bases into the intron before coding-DNA position 11849, one base duplicated (T; older notation c.11849-10dupT).
Molecular consequence: intron variant.
Genome position (GRCh38, 1-based): chr1:186,119,181, T duplicated; the last of 8 consecutive T bases (chr1:186,119,174-186,119,181); duplicating any one gives the same sequence. VCF-style (leftmost placement, unchanged base first): chr1-186119173-A-AT. GRCh37 (hg19) VCF-style: chr1-186088305-A-AT.
Other names: c.11849-10dupT (NM_031935.2).
Identifiers: ClinVar variation 1528248 (VCV001528248.10), dbSNP rs201254359, ClinGen allele CA1294176.
Genomic context (GRCh38, chr1:186,119,173, plus strand): 5'-CACAAAAGAGAGTCAAATTTTATTGAACTAAAAAAACTGAGATGCAGTATATATTAAAAC[A>AT]TTTTTTTTCATTTTTAGGAGCAATTGAAATACTTGCCACCCAATTAAACCATGCTGGAAG-3'